The following is an entry in ClinVar:

NM_000136.3(FANCC):c.38A>G (p.Gln13Arg)

Gene: FANCC (FA complementation group C; minus strand). Cytogenetic location: 9q22.32.
Variant type: single nucleotide variant.
Coding change: c.38A>G on transcript NM_000136.3 (MANE Select); coding-DNA position 38, A replaced by G.
Protein change: p.Gln13Arg; replaces glutamine 13 with arginine.
Molecular consequence: missense variant.
Genome position (GRCh38, 1-based): chr9:95,249,254, T>C on the plus strand (A>G on the coding strand, the complement: FANCC is on the minus strand). VCF-style: chr9-95249254-T-C. GRCh37 (hg19) VCF-style: chr9-98011536-T-C.
Other names: c.38A>G, p.Gln13Arg (NM_001243743.2, NM_001243744.2); short protein forms Q13R.
Identifiers: ClinVar variation 367610 (VCV000367610.7), dbSNP rs199968672, ClinGen allele CA5137845.

ClinVar aggregate classification (germline): Uncertain significance. Review status: criteria provided, multiple submitters, no conflicts (2 of 4 stars). 2 submissions from 2 submitters: Uncertain significance (2). Last evaluated 2023-11-09.

Conditions:
Hereditary cancer-predisposing syndrome. Also called: Neoplastic Syndromes, Hereditary; Tumor predisposition; Hereditary neoplastic syndrome; Hereditary Cancer Syndrome. Identifiers: Orphanet 140162, MedGen C0027672, MeSH D009386, MONDO:0015356.
Fanconi anemia complementation group C (FANCC). Also called: FANCONI PANCYTOPENIA, TYPE 3; FACC; Fanconi anemia, group C; FANCC-Related Fanconi Anemia. Identifiers: Orphanet 84, MedGen C3468041, MONDO:0009213, OMIM 227645.

Allele frequency attached by ClinVar (database versions not stated): gnomAD exomes below 0.00001; ExAC 0.00001; gnomAD 0.00001; 1000 Genomes Project 30x 0.00016; 1000 Genomes Project 0.00020.
gnomAD v4.1: 2 of 1,614,168 alleles (0.00012%); highest among the groups gnomAD compares: African/African-American, 0.0027%; no homozygotes.

Submissions (2):

Ambry Genetics
Classification: Uncertain significance for Hereditary cancer-predisposing syndrome. Last evaluated: 2023-11-09. Review status: criteria provided, single submitter. Criteria: Ambry Variant Classification Scheme 2023. Collection method: clinical testing. Allele origin: germline.
Comment: The p.Q13R variant (also known as c.38A>G), located in coding exon 1 of the FANCC gene, results from an A to G substitution at nucleotide position 38. The glutamine at codon 13 is replaced by arginine, an amino acid with highly similar properties. This amino acid position is conserved. In addition, this alteration is predicted to be tolerated by in silico analysis. Since supporting evidence is limited at this time, the clinical significance of this alteration remains unclear.

Illumina Laboratory Services, Illumina
Classification: Uncertain significance for Fanconi anemia complementation group C. Last evaluated: 2018-01-13. Review status: criteria provided, single submitter. Criteria: ICSL Variant Classification Criteria 13 December 2019. Collection method: clinical testing. Allele origin: germline.